The following is an entry in ClinVar:

NM_032217.5(ANKRD17):c.5699T>A (p.Phe1900Tyr)

Gene: ANKRD17 (ankyrin repeat domain 17; minus strand). Cytogenetic location: 4q13.3.
Variant type: single nucleotide variant.
Coding change: c.5699T>A on transcript NM_032217.5 (MANE Select); coding-DNA position 5699, T replaced by A.
Protein change: p.Phe1900Tyr; replaces phenylalanine 1900 with tyrosine.
Molecular consequence: missense variant.
Genome position (GRCh38, 1-based): chr4:73,091,929, A>T on the plus strand (T>A on the coding strand, the complement: ANKRD17 is on the minus strand). VCF-style: chr4-73091929-A-T. GRCh37 (hg19) VCF-style: chr4-73957646-A-T.
Other names: c.5360T>A, p.Phe1787Tyr (NM_001286771.3); c.5696T>A, p.Phe1899Tyr (NM_015574.2); c.4946T>A, p.Phe1649Tyr (NM_198889.3); short protein forms F1649Y, F1787Y, F1899Y, F1900Y.
Identifiers: ClinVar variation 3391502 (VCV003391502.1).

ClinVar aggregate classification (germline): Uncertain significance (1 of 4 stars; one submission).

Submission:

GeneDx
Classification: Uncertain significance. Last evaluated: 2024-06-20. Review status: criteria provided, single submitter. Criteria: GeneDx Variant Classification Process June 2021. Collection method: clinical testing. Allele origin: germline. Affected: yes.
Comment: Not observed at significant frequency in large population cohorts (gnomAD); In silico analysis indicates that this missense variant does not alter protein structure/function; Has not been previously published as pathogenic or benign to our knowledge